The following is an entry in ClinVar:

ClinVar aggregate classification (germline): Likely pathogenic (1 of 4 stars; one submission).

Conditions:
Fabry disease. Also called: ALPHA-GALACTOSIDASE A DEFICIENCY; ANDERSON-FABRY DISEASE; CERAMIDE TRIHEXOSIDASE DEFICIENCY; GLA DEFICIENCY; HEREDITARY DYSTOPIC LIPIDOSIS; Angiokeratoma corporis diffusum. Identifiers: Orphanet 324, MedGen C0002986, MONDO:0010526, OMIM 301500, HP:0001071. Disease mechanism: Fabry disease is due to inactivating mutations in the X-linked GLA gene resulting in deficiency of the enzyme Alpha Galactosidase-A., loss of function.

Submission:

Genomenon, Inc
Classification: Likely pathogenic for Fabry disease. Last evaluated: 2026-09-08. Review status: criteria provided, single submitter. Criteria: Genomenon Sequence Variant Interpretation Standards - Updated. Collection method: curation. Allele origin: germline. Affected: yes.
Comment: GLA p.Gly258Arg (c.772G>C) is a missense variant that changes the amino acid at codon 258 from Glycine to Arginine. This variant has been observed in at least one proband with clinical features consistent with Fabry disease (PMID:30723321;27657681). Functional or patient cell studies have been reported (PMID:30723321;27657681). Another cDNA change that causes the same protein consequence has been determined to be pathogenic or likely pathogenic. It is absent or not present at a significant frequency in gnomAD. In silico models predict that this variant is possibly or probably damaging. In conclusion, we classify GLA p.Gly258Arg (c.772G>C) as a likely pathogenic variant.

Literature cited by the submitters: PubMed 30723321; PubMed 27657681.

NM_000169.3(GLA):c.772G>C (p.Gly258Arg)

Genes: GLA (galactosidase alpha; minus strand), RPL36A-HNRNPH2 (RPL36A-HNRNPH2 readthrough; plus strand). Cytogenetic location: Xq22.1.
Variant type: single nucleotide variant.
Coding change: c.772G>C on transcript NM_000169.3 (MANE Select); coding-DNA position 772, G replaced by C.
Protein change: p.Gly258Arg; replaces glycine 258 with arginine.
Molecular consequence: missense variant. On other transcripts: non-coding transcript variant (3), intron variant (2).
Genome position (GRCh38, 1-based): chrX:101,398,814, C>G on the plus strand (G>C on the coding strand, the complement: GLA is on the minus strand). VCF-style: chrX-101398814-C-G. GRCh37 (hg19) VCF-style: chrX-100653802-C-G.
Other names: c.895G>C, p.Gly299Arg (NM_001406747.1); c.772G>C, p.Gly258Arg (NM_001406748.1); c.300+3357C>G (NM_001199973.2); c.177+6992C>G (NM_001199974.2); short protein forms G258R, G299R.
Identifiers: ClinVar variation 4087502 (VCV004087502.2).